The following is an entry in ClinVar:

NM_000064.4(C3):c.310A>G (p.Lys104Glu)

Gene: C3 (complement C3; minus strand). Cytogenetic location: 19p13.3.
Variant type: single nucleotide variant.
Coding change: c.310A>G on transcript NM_000064.4 (MANE Select); coding-DNA position 310, A replaced by G.
Protein change: p.Lys104Glu; replaces lysine 104 with glutamic acid.
Molecular consequence: missense variant.
Genome position (GRCh38, 1-based): chr19:6,718,370, T>C on the plus strand (A>G on the coding strand, the complement: C3 is on the minus strand). VCF-style: chr19-6718370-T-C. GRCh37 (hg19) VCF-style: chr19-6718381-T-C.
Other names: short protein forms K104E.
Identifiers: ClinVar variation 2138196 (VCV002138196.5), dbSNP rs1968088189, ClinGen allele CA403645284.

ClinVar aggregate classification (germline): Uncertain significance. Review status: criteria provided, multiple submitters, no conflicts (2 of 4 stars). 2 submissions from 2 submitters: Uncertain significance (2). Last evaluated 2025-09-30.

Conditions:
Atypical hemolytic-uremic syndrome. Identifiers: Orphanet 2134, MedGen C2931788, MONDO:0016244.

gnomAD v4.1: 1 of 1,614,224 alleles (0.000062%); no homozygotes.

Submissions (2):

Genomenon, Inc
Classification: Uncertain significance for Atypical hemolytic-uremic syndrome. Last evaluated: 2025-09-30. Review status: criteria provided, single submitter. Criteria: Genomenon Sequence Variant Interpretation Standards. Collection method: curation. Allele origin: germline. Affected: yes.
Comment: C3 p.Lys104Glu (c.310A>G) is a missense variant that changes the amino acid at residue 104 from Lysine to Glutamic acid. This variant has been observed in at least one proband affected with atypical hemolytic-uremic syndrome (PMID:26826462). It is absent or not present at a significant frequency in gnomAD. In silico models agree that this variant is not damaging. In conclusion, we classify C3 p.Lys104Glu (c.310A>G) as a variant of unknown significance.

Labcorp Genetics (formerly Invitae), Labcorp
Classification: Uncertain significance. Last evaluated: 2023-11-27. Review status: criteria provided, single submitter. Criteria: Invitae Variant Classification Sherloc (09022015). Collection method: clinical testing. Allele origin: germline.
Comment: This sequence change replaces lysine, which is basic and polar, with glutamic acid, which is acidic and polar, at codon 104 of the C3 protein (p.Lys104Glu). This variant is not present in population databases (gnomAD no frequency). This missense change has been observed in individual(s) with atypical hemolytic uremic syndrome (PMID: 26826462). ClinVar contains an entry for this variant (Variation ID: 2138196). Advanced modeling of protein sequence and biophysical properties (such as structural, functional, and spatial information, amino acid conservation, physicochemical variation, residue mobility, and thermodynamic stability) performed at Invitae indicates that this missense variant is not expected to disrupt C3 protein function with a negative predictive value of 80%. In summary, the available evidence is currently insufficient to determine the role of this variant in disease. Therefore, it has been classified as a Variant of Uncertain Significance.

Literature cited by the submitters: PubMed 26826462 (cited by Genomenon, Inc and Labcorp Genetics (formerly Invitae), Labcorp).